The following is an entry in ClinVar:

ClinVar aggregate classification (germline): Likely benign. Review status: criteria provided, single submitter (1 of 4 stars). 2 submissions from 2 submitters: Likely benign (1). 1 of the submissions does not count toward it. Last evaluated 2018-07-10.

Conditions:
A2M-related disorder. Also called: A2M-related condition.

Allele frequency attached by ClinVar (database versions not stated): 1000 Genomes Project 30x 0.00016; 1000 Genomes Project 0.00020; ESP Exome Variant Server 0.00046; gnomAD exomes 0.00049 and 0.00080; ExAC 0.00063; gnomAD 0.00098 and 0.00099; TOPMed 0.00103.
gnomAD v4.1: 889 of 1,613,642 alleles (0.055%); highest among the groups gnomAD compares: Middle Eastern, 0.54%; 4 homozygotes.

Submissions (2):

Labcorp Genetics (formerly Invitae), Labcorp
Classification: Likely benign. Last evaluated: 2018-07-10. Review status: criteria provided, single submitter. Criteria: Invitae Variant Classification Sherloc (09022015). Collection method: clinical testing. Allele origin: germline.

PreventionGenetics, part of Exact Sciences
Classification: Likely benign for A2M-related condition. Last evaluated: 2019-12-13. Review status: no assertion criteria provided. Collection method: clinical testing. Allele origin: germline. Not counted in ClinVar's aggregate classification.
Comment: This variant is classified as likely benign based on ACMG/AMP sequence variant interpretation guidelines (Richards et al. 2015 PMID: 25741868, with internal and published modifications).

NM_000014.6(A2M):c.3092G>A (p.Arg1031Gln)

Genes: A2M (alpha-2-macroglobulin; minus strand), KLRG1 (killer cell lectin like receptor G1; plus strand). Cytogenetic location: 12p13.31.
Variant type: single nucleotide variant.
Coding change: c.3092G>A on transcript NM_000014.6 (MANE Select); coding-DNA position 3092, G replaced by A.
Protein change: p.Arg1031Gln; replaces arginine 1031 with glutamine.
Molecular consequence: missense variant.
Genome position (GRCh38, 1-based): chr12:9,079,271, C>T on the plus strand (G>A on the coding strand, the complement: A2M is on the minus strand). VCF-style: chr12-9079271-C-T. GRCh37 (hg19) VCF-style: chr12-9231867-C-T.
Other names: c.3092G>A, p.Arg1031Gln (NM_001347423.2); c.2792G>A, p.Arg931Gln (NM_001347424.2); c.2642G>A, p.Arg881Gln (NM_001347425.2); c.3092G>A (NM_000014.5); short protein forms R881Q, R1031Q, R931Q.
Identifiers: ClinVar variation 711716 (VCV000711716.5), dbSNP rs202210880, ClinGen allele CA6438208.